The following is an entry in ClinVar:

NM_001369268.1(ACAN):c.626T>G (p.Val209Gly)

Gene: ACAN (aggrecan; plus strand). Cytogenetic location: 15q26.1.
Variant type: single nucleotide variant.
Coding change: c.626T>G on transcript NM_001369268.1 (MANE Select); coding-DNA position 626, T replaced by G.
Protein change: p.Val209Gly; replaces valine 209 with glycine.
Molecular consequence: missense variant.
Genome position (GRCh38, 1-based): chr15:88,840,183, T>G. VCF-style: chr15-88840183-T-G. GRCh37 (hg19) VCF-style: chr15-89383414-T-G.
Other names: c.626T>G, p.Val209Gly (NM_001135.4, NM_001411096.1, NM_001411097.1 and 1 more transcripts); short protein forms V209G.
Identifiers: ClinVar variation 4214316 (VCV004214316.2).

ClinVar aggregate classification (germline): Uncertain significance. Review status: criteria provided, multiple submitters, no conflicts (2 of 4 stars). 2 submissions from 2 submitters: Uncertain significance (2). Last evaluated 2026-01-29.

Conditions:
Inborn genetic diseases. Identifiers: MedGen C0950123, MeSH D030342.

gnomAD v4.1: 1 of 1,595,064 alleles (0.000063%); highest among the groups gnomAD compares: Non-Finnish European, 0.000085%; no homozygotes.

Submissions (2):

Labcorp Genetics (formerly Invitae), Labcorp
Classification: Uncertain significance. Last evaluated: 2026-01-29. Review status: criteria provided, single submitter. Criteria: Invitae Variant Classification Sherloc (09022015). Collection method: clinical testing. Allele origin: germline.
Comment: This sequence change replaces valine, which is neutral and non-polar, with glycine, which is neutral and non-polar, at codon 209 of the ACAN protein (p.Val209Gly). This variant is not present in population databases (gnomAD no frequency). This variant has not been reported in the literature in individuals affected with ACAN-related conditions. ClinVar contains an entry for this variant (Variation ID: 4214316). Invitae Evidence Modeling of protein sequence and biophysical properties (such as structural, functional, and spatial information, amino acid conservation, physicochemical variation, residue mobility, and thermodynamic stability) indicates that this missense variant is not expected to disrupt ACAN protein function with a negative predictive value of 80%. In summary, the available evidence is currently insufficient to determine the role of this variant in disease. Therefore, it has been classified as a Variant of Uncertain Significance.

Ambry Genetics
Classification: Uncertain significance for Inborn genetic diseases. Last evaluated: 2025-07-11. Review status: criteria provided, single submitter. Criteria: Ambry Variant Classification Scheme 2023. Collection method: clinical testing. Allele origin: germline.